The following is an entry in ClinVar:

ClinVar aggregate classification (germline): Uncertain significance. Review status: criteria provided, multiple submitters, no conflicts (2 of 4 stars). 2 submissions from 2 submitters: Uncertain significance (2). Last evaluated 2023-11-13.

Conditions:
Glycogen storage disease, type II (IOPD). Also called: POMPE DISEASE, INFANTILE-ONSET; GLYCOGEN STORAGE DISEASE II, INFANTILE-ONSET; ACID ALPHA-GLUCOSIDASE DEFICIENCY, INFANTILE-ONSET; GAA DEFICIENCY, INFANTILE-ONSET; ACID MALTASE DEFICIENCY, INFANTILE-ONSET; CARDIOMEGALIA GLYCOGENICA DIFFUSA. Identifiers: Orphanet 365, MedGen C0017921, MONDO:0009290, OMIM 232300.

Submissions (2):

Revvity Omics, Revvity
Classification: Uncertain significance. Last evaluated: 2023-11-13. Review status: criteria provided, single submitter. Criteria: ACMG Guidelines, 2015. Collection method: clinical testing. Allele origin: germline.

Labcorp Genetics (formerly Invitae), Labcorp
Classification: Uncertain significance for Glycogen storage disease, type II. Last evaluated: 2022-02-24. Review status: criteria provided, single submitter. Criteria: Invitae Variant Classification Sherloc (09022015). Collection method: clinical testing. Allele origin: germline.
Comment: This sequence change replaces aspartic acid, which is acidic and polar, with histidine, which is basic and polar, at codon 861 of the GAA protein (p.Asp861His). This variant is not present in population databases (gnomAD no frequency). In summary, the available evidence is currently insufficient to determine the role of this variant in disease. Therefore, it has been classified as a Variant of Uncertain Significance. Advanced modeling of protein sequence and biophysical properties (such as structural, functional, and spatial information, amino acid conservation, physicochemical variation, residue mobility, and thermodynamic stability) performed at Invitae indicates that this missense variant is expected to disrupt GAA protein function. This variant has not been reported in the literature in individuals affected with GAA-related conditions.

NM_000152.5(GAA):c.2581G>C (p.Asp861His)

Gene: GAA (alpha glucosidase; plus strand). Cytogenetic location: 17q25.3.
Variant type: single nucleotide variant.
Coding change: c.2581G>C on transcript NM_000152.5 (MANE Select); coding-DNA position 2581, G replaced by C.
Protein change: p.Asp861His; replaces aspartic acid 861 with histidine.
Molecular consequence: missense variant.
Genome position (GRCh38, 1-based): chr17:80,118,292, G>C. VCF-style: chr17-80118292-G-C. GRCh37 (hg19) VCF-style: chr17-78092091-G-C.
Other names: c.2581G>C, p.Asp861His (NM_001079803.3, NM_001079804.3, NM_001406741.1 and 1 more transcripts); short protein forms D861H.
Identifiers: ClinVar variation 2095408 (VCV002095408.5), dbSNP rs372604133, ClinGen allele CA401326263.